The following is an entry in ClinVar:

NM_006393.3(NEBL):c.2242-1G>A

Gene: NEBL (nebulette; minus strand). Cytogenetic location: 10p12.31.
Variant type: single nucleotide variant.
Coding change: c.2242-1G>A on transcript NM_006393.3 (MANE Select); the canonical splice acceptor site of the intron before coding-DNA position 2242, G replaced by A.
Molecular consequence: splice acceptor variant. On other transcripts: intron variant (9).
Genome position (GRCh38, 1-based): chr10:20,814,044, C>T on the plus strand (G>A on the coding strand, the complement: NEBL is on the minus strand). VCF-style: chr10-20814044-C-T. GRCh37 (hg19) VCF-style: chr10-21102973-C-T.
Other names: c.250-1104G>A (NM_001377326.1, NM_001377327.1, NM_001377328.1); c.358-1104G>A (NM_213569.2, NM_001173484.2, NM_001377322.1); c.301-1104G>A (NM_001377324.1); c.292-1104G>A (NM_001377325.1); c.310-1104G>A (NM_001377323.1).
Identifiers: ClinVar variation 1973538 (VCV001973538.5), dbSNP rs1489974215, ClinGen allele CA376093797.

ClinVar aggregate classification (germline): Uncertain significance (1 of 4 stars; one submission).

Conditions:
Primary dilated cardiomyopathy (DCM). Also called: Dilated Cardiomyopathy. Identifiers: Orphanet 217604, MedGen C0007193, MeSH D002311, MONDO:0005021, HP:0001644. Inheritance: Various modes of inheritance.

Allele frequency attached by ClinVar (database versions not stated): gnomAD exomes 0.00001.
gnomAD v4.1: 3 of 1,560,800 alleles (0.00019%); highest among the groups gnomAD compares: Non-Finnish European, 0.00027%; no homozygotes.

Submission:

Labcorp Genetics (formerly Invitae), Labcorp
Classification: Uncertain significance for Primary dilated cardiomyopathy. Last evaluated: 2024-02-05. Review status: criteria provided, single submitter. Criteria: Invitae Variant Classification Sherloc (09022015). Collection method: clinical testing. Allele origin: germline.
Comment: This sequence change affects an acceptor splice site in intron 22 of the NEBL gene. It is expected to disrupt RNA splicing. Variants that disrupt the donor or acceptor splice site typically lead to a loss of protein function (PMID: 16199547), however the current clinical and genetic evidence is not sufficient to establish whether loss-of-function variants in NEBL cause disease. This variant is present in population databases (no rsID available, gnomAD 0.0009%). This variant has not been reported in the literature in individuals affected with NEBL-related conditions. ClinVar contains an entry for this variant (Variation ID: 1973538). Algorithms developed to predict the effect of sequence changes on RNA splicing suggest that this variant may disrupt the consensus splice site. In summary, the available evidence is currently insufficient to determine the role of this variant in disease. Therefore, it has been classified as a Variant of Uncertain Significance.

Literature cited by the submitters: PubMed 16199547.